The following is an entry in ClinVar:

NM_000059.4(BRCA2):c.2760del (p.Ile921fs)

Gene: BRCA2 (BRCA2 DNA repair associated; plus strand). Cytogenetic location: 13q13.1.
Variant type: Deletion.
Coding change: c.2760del on transcript NM_000059.4 (MANE Select); coding-DNA position 2760, one base deleted (C; older notation c.2760delC).
Protein change: p.Ile921fs; shifts the reading frame from isoleucine 921.
Molecular consequence: frameshift variant.
Genome position (GRCh38, 1-based): chr13:32,337,115, C deleted; the last of 3 consecutive C bases (chr13:32,337,113-32,337,115); deleting any one gives the same sequence. VCF-style (leftmost placement, unchanged base first): chr13-32337112-AC-A. GRCh37 (hg19) VCF-style: chr13-32911249-AC-A.
Other names: 2988delC; c.2760delC (NM_000059.3).
Identifiers: ClinVar variation 51337 (VCV000051337.9), dbSNP rs80359346, ClinGen allele CA016290.

ClinVar aggregate classification (germline): Pathogenic. Review status: reviewed by expert panel (3 of 4 stars). 5 submissions from 5 submitters: Pathogenic (1). 4 of the submissions do not count toward it. Last evaluated 2016-04-22.

Conditions:
Hereditary cancer-predisposing syndrome. Also called: Neoplastic Syndromes, Hereditary; Tumor predisposition; Hereditary Cancer Syndrome; Hereditary neoplastic syndrome. Identifiers: Orphanet 140162, MedGen C0027672, MeSH D009386, MONDO:0015356.
Breast-ovarian cancer, familial, susceptibility to, 2 (BROVCA2). Also called: BRCA2 Hereditary Breast and Ovarian Cancer. Identifiers: Orphanet 145, MedGen C2675520, MONDO:0012933, OMIM 612555. Disease mechanism: loss of function.
Breast and/or ovarian cancer. Identifiers: MedGen CN221562.

Submissions (5):

Evidence-based Network for the Interpretation of Germline Mutant Alleles (ENIGMA)
Classification: Pathogenic for Breast-ovarian cancer, familial, susceptibility to, 2. Last evaluated: 2016-04-22. Review status: reviewed by expert panel. Criteria: ENIGMA BRCA1/2 Classification Criteria (2015). Collection method: curation. Allele origin: germline.
Comment: Variant allele predicted to encode a truncated non-functional protein.

Ambry Genetics
Classification: Pathogenic for Hereditary cancer-predisposing syndrome. Last evaluated: 2023-08-11. Review status: criteria provided, single submitter. Criteria: Ambry Variant Classification Scheme 2023. Collection method: clinical testing. Allele origin: germline. Not counted in ClinVar's aggregate classification.
Comment: The c.2760delC pathogenic mutation, located in coding exon 10 of the BRCA2 gene, results from a deletion of one nucleotide at nucleotide position 2760, causing a translational frameshift with a predicted alternate stop codon (p.I921Ffs*39). This variant is considered to be rare based on population cohorts in the Genome Aggregation Database (gnomAD). This alteration is expected to result in loss of function by premature protein truncation or nonsense-mediated mRNA decay. As such, this alteration is interpreted as a disease-causing mutation.

CHEO Genetics Diagnostic Laboratory, Children's Hospital of Eastern Ontario
Classification: Likely pathogenic for Breast and/or ovarian cancer. Last evaluated: 2022-10-06. Review status: criteria provided, single submitter. Criteria: ACMG Guidelines, 2015. Collection method: clinical testing. Allele origin: germline. Not counted in ClinVar's aggregate classification.

Consortium of Investigators of Modifiers of BRCA1/2 (CIMBA), c/o University of Cambridge
Classification: Pathogenic for Breast-ovarian cancer, familial, susceptibility to, 2. Last evaluated: 2015-10-02. Review status: criteria provided, single submitter. Criteria: CIMBA Mutation Classification guidelines May 2016. Collection method: clinical testing. Allele origin: germline. Not counted in ClinVar's aggregate classification.

Breast Cancer Information Core (BIC) (BRCA2)
Classification: Pathogenic for Breast-ovarian cancer, familial 2. Last evaluated: 1999-06-22. Review status: no assertion criteria provided. Collection method: clinical testing. Allele origin: germline. Affected: yes. Observed: 2 variant alleles. Not counted in ClinVar's aggregate classification.